The following is an entry in ClinVar:

NM_001042424.3(NSD2):c.1608A>G (p.Thr536=)

Gene: NSD2 (nuclear receptor binding SET domain protein 2; plus strand). Cytogenetic location: 4p16.3.
Variant type: single nucleotide variant.
Coding change: c.1608A>G on transcript NM_001042424.3 (MANE Select); coding-DNA position 1608, A replaced by G.
Protein change: p.Thr536=; no amino-acid change (threonine 536 retained).
Molecular consequence: synonymous variant.
Genome position (GRCh38, 1-based): chr4:1,935,196, A>G. VCF-style: chr4-1935196-A-G. GRCh37 (hg19) VCF-style: chr4-1936923-A-G.
Other names: c.1608A>G, p.Thr536= (NM_007331.2, NM_133330.3, NM_133331.3 and 2 more transcripts).
Identifiers: ClinVar variation 723580 (VCV000723580.9), dbSNP rs144205141, ClinGen allele CA2812145.
Genomic context (GRCh38, chr4:1,935,196, plus strand): 5'-ATTCCAAGGTAATGTAAATGGGAAAAAAAGAAACCACACAAAGAGGATACAGGACCCTAC[A>G]GAAGATGCTGAAGCTGAGGACACACCCAGGAAAAGACTCAGGACGGACAAGCACAGTCTT-3'
Protein context (NP_001035889.1, residues 526-546): RNHTKRIQDP[Thr536=]EDAEAEDTPR

ClinVar aggregate classification (germline): Likely benign. Review status: criteria provided, multiple submitters, no conflicts (2 of 4 stars). 2 submissions from 2 submitters: Likely benign (2). Last evaluated 2026-01-01.

Allele frequency attached by ClinVar (database versions not stated): gnomAD exomes 0.00001 and 0.00003; ExAC 0.00004; gnomAD 0.00012 and 0.00014; TOPMed 0.00012; ESP Exome Variant Server 0.00023.
gnomAD v4.1: 35 of 1,613,706 alleles (0.0022%); highest among the groups gnomAD compares: African/African-American, 0.037%; no homozygotes.

Submissions (2):

CeGaT Center for Human Genetics Tuebingen
Classification: Likely benign. Last evaluated: 2026-01-01. Review status: criteria provided, single submitter. Criteria: CeGaT Center For Human Genetics Tuebingen Variant Classification Criteria Version 2. Collection method: clinical testing. Allele origin: germline. Affected: yes. Observed: 1 variant allele.
Comment: NSD2: BP4, BP7

Labcorp Genetics (formerly Invitae), Labcorp
Classification: Likely benign. Last evaluated: 2024-05-02. Review status: criteria provided, single submitter. Criteria: Invitae Variant Classification Sherloc (09022015). Collection method: clinical testing. Allele origin: germline.